The following is an entry in ClinVar:

ClinVar aggregate classification (germline): Pathogenic (1 of 4 stars; one submission).

Conditions:
Bardet-Biedl syndrome (BBS). Identifiers: Orphanet 110, MedGen C0752166, MONDO:0015229.

Submission:

Labcorp Genetics (formerly Invitae), Labcorp
Classification: Pathogenic for Bardet-Biedl syndrome. Last evaluated: 2023-06-24. Review status: criteria provided, single submitter. Criteria: Invitae Variant Classification Sherloc (09022015). Collection method: clinical testing. Allele origin: unknown.
Comment: For these reasons, this variant has been classified as Pathogenic. This variant disrupts a region of the BBS7 protein in which other variant(s) (p.Gln293Pro) have been determined to be pathogenic (PMID: 21052717, 27486776). This suggests that this is a clinically significant region of the protein, and that variants that disrupt it are likely to be disease-causing. This variant has not been reported in the literature in individuals affected with BBS7-related conditions. This variant is a gross deletion of the genomic region encompassing exon(s) 9-13 of the BBS7 gene. This variant would be expected to be in-frame, preserving the integrity of the reading frame.

Literature cited by the submitters: PubMed 21052717; PubMed 27486776.

NC_000004.11:g.(?_122760766)_(122770103_?)del

Gene: BBS7 (Bardet-Biedl syndrome 7; minus strand). Cytogenetic location: 4q27.
Variant type: Deletion.
Identifiers: ClinVar variation 3246652 (VCV003246652.1).